The following is an entry in ClinVar:

ClinVar aggregate classification (germline): Uncertain significance (1 of 4 stars; one submission).

Conditions:
Charcot-Marie-Tooth disease type 2R. Also called: CHARCOT-MARIE-TOOTH DISEASE, AXONAL, AUTOSOMAL RECESSIVE, TYPE 2R; CHARCOT-MARIE-TOOTH NEUROPATHY, TYPE 2R; Charcot-Marie-Tooth disease, axonal, type 2R. Identifiers: Orphanet 397968, MedGen C3809655, MONDO:0014208, OMIM 615490.

gnomAD v4.1: 10 of 1,614,158 alleles (0.00062%); highest among the groups gnomAD compares: Non-Finnish European, 0.00085%; no homozygotes.

Submission:

Labcorp Genetics (formerly Invitae), Labcorp
Classification: Uncertain significance for Charcot-Marie-Tooth disease type 2R. Last evaluated: 2022-06-13. Review status: criteria provided, single submitter. Criteria: Invitae Variant Classification Sherloc (09022015). Collection method: clinical testing. Allele origin: germline.
Comment: In summary, the available evidence is currently insufficient to determine the role of this variant in disease. Therefore, it has been classified as a Variant of Uncertain Significance. Algorithms developed to predict the effect of missense changes on protein structure and function are either unavailable or do not agree on the potential impact of this missense change (SIFT: "Deleterious"; PolyPhen-2: "Benign"; Align-GVGD: "Class C0"). This variant has not been reported in the literature in individuals affected with TRIM2-related conditions. This variant is not present in population databases (gnomAD no frequency). This sequence change replaces arginine, which is basic and polar, with serine, which is neutral and polar, at codon 620 of the TRIM2 protein (p.Arg620Ser).

NM_015271.5(TRIM2):c.1941G>T (p.Arg647Ser)

Gene: TRIM2 (tripartite motif containing 2; plus strand). Cytogenetic location: 4q31.3.
Variant type: single nucleotide variant.
Coding change: c.1941G>T on transcript NM_015271.5 (MANE Select); coding-DNA position 1941, G replaced by T.
Protein change: p.Arg647Ser; replaces arginine 647 with serine.
Molecular consequence: missense variant.
Genome position (GRCh38, 1-based): chr4:153,322,806, G>T. VCF-style: chr4-153322806-G-T. GRCh37 (hg19) VCF-style: chr4-154243958-G-T.
Other names: c.1860G>T, p.Arg620Ser (NM_001130067.2, NM_001351056.2, NM_001375512.1 and 5 more transcripts); c.1914G>T, p.Arg638Ser (NM_001351054.2); c.1911G>T, p.Arg637Ser (NM_001351055.2); c.1485G>T, p.Arg495Ser (NM_001351057.2); c.2034G>T, p.Arg678Ser (NM_001375488.1); c.2031G>T, p.Arg677Ser (NM_001375489.1); c.1884G>T, p.Arg628Ser (NM_001375490.1); c.1881G>T, p.Arg627Ser (NM_001375491.1); and 3 more; short protein forms R620S, R638S, R535S, R536S, R677S, R627S, R628S, R647S.
Identifiers: ClinVar variation 1903934 (VCV001903934.5), dbSNP rs755213272, ClinGen allele CA358469617.